The following is an entry in ClinVar:

NM_024301.5(FKRP):c.907G>A (p.Asp303Asn)

Gene: FKRP (fukutin related protein; plus strand). Cytogenetic location: 19q13.32.
Variant type: single nucleotide variant.
Coding change: c.907G>A on transcript NM_024301.5 (MANE Select); coding-DNA position 907, G replaced by A.
Protein change: p.Asp303Asn; replaces aspartic acid 303 with asparagine.
Molecular consequence: missense variant.
Genome position (GRCh38, 1-based): chr19:46,756,357, G>A. VCF-style: chr19-46756357-G-A. GRCh37 (hg19) VCF-style: chr19-47259614-G-A.
Other names: c.907G>A, p.Asp303Asn (NM_001039885.3); short protein forms D303N.
Identifiers: ClinVar variation 1353439 (VCV001353439.6), dbSNP rs765811792, ClinGen allele CA9532209.

ClinVar aggregate classification (germline): Uncertain significance. Review status: criteria provided, multiple submitters, no conflicts (2 of 4 stars). 2 submissions from 2 submitters: Uncertain significance (2). Last evaluated 2021-08-27.

Conditions:
Walker-Warburg congenital muscular dystrophy. Also called: Muscular dystrophy-dystroglycanopathy, type A; Walker-Warburg syndrome. Identifiers: Orphanet 899, MedGen C0265221, MONDO:0000171.

Submissions (2):

Labcorp Genetics (formerly Invitae), Labcorp
Classification: Uncertain significance for Walker-Warburg congenital muscular dystrophy. Last evaluated: 2021-08-27. Review status: criteria provided, single submitter. Criteria: Invitae Variant Classification Sherloc (09022015). Collection method: clinical testing. Allele origin: germline.
Comment: This sequence change replaces aspartic acid with asparagine at codon 303 of the FKRP protein (p.Asp303Asn). The aspartic acid residue is moderately conserved and there is a small physicochemical difference between aspartic acid and asparagine. The frequency data for this variant in the population databases is considered unreliable, as metrics indicate poor data quality at this position in the ExAC database. This variant has not been reported in the literature in individuals affected with FKRP-related conditions. Algorithms developed to predict the effect of missense changes on protein structure and function are either unavailable or do not agree on the potential impact of this missense change (SIFT: "Tolerated"; PolyPhen-2: "Probably Damaging"; Align-GVGD: "Class C0"). In summary, the available evidence is currently insufficient to determine the role of this variant in disease. Therefore, it has been classified as a Variant of Uncertain Significance.

Blueprint Genetics
Classification: Uncertain significance. Last evaluated: 2018-08-17. Review status: criteria provided, single submitter. Criteria: ACMG Guidelines, 2015. Collection method: clinical testing. Allele origin: germline.